The following is an entry in ClinVar:

NM_000498.3(CYP11B2):c.421C>T (p.Arg141Ter)

Genes: CYP11B2 (cytochrome P450 family 11 subfamily B member 2; minus strand), LOC106799834 (CYP11B2 recombination region; plus strand). Cytogenetic location: 8q24.3.
Variant type: single nucleotide variant.
Coding change: c.421C>T on transcript NM_000498.3 (MANE Select); coding-DNA position 421, C replaced by T.
Protein change: p.Arg141Ter; replaces arginine 141 with a stop codon.
Molecular consequence: nonsense.
Genome position (GRCh38, 1-based): chr8:142,915,220, G>A on the plus strand (C>T on the coding strand, the complement: CYP11B2 is on the minus strand). VCF-style: chr8-142915220-G-A. GRCh37 (hg19) VCF-style: chr8-143996636-G-A.
Other names: short protein forms R141*.
Identifiers: ClinVar variation 1073636 (VCV001073636.15), dbSNP rs765802331, ClinGen allele CA4906212.

ClinVar aggregate classification (germline): Pathogenic/Likely pathogenic. Review status: criteria provided, multiple submitters, no conflicts (2 of 4 stars). 3 submissions from 3 submitters: Pathogenic (2); Likely pathogenic (1). Last evaluated 2025-10-21.

Conditions:
Corticosterone methyl oxidase type II deficiency.

Allele frequency attached by ClinVar (database versions not stated): ExAC 0.00001; gnomAD 0.00001; gnomAD exomes 0.00001; TOPMed 0.00003.

Submissions (3):

Labcorp Genetics (formerly Invitae), Labcorp
Classification: Pathogenic. Last evaluated: 2025-10-21. Review status: criteria provided, single submitter. Criteria: Invitae Variant Classification Sherloc (09022015). Collection method: clinical testing. Allele origin: germline.
Comment: This sequence change creates a premature translational stop signal (p.Arg141*) in the CYP11B2 gene. It is expected to result in an absent or disrupted protein product. Loss-of-function variants in CYP11B2 are known to be pathogenic (PMID: 20494601, 22801770, 26936515). This variant is present in population databases (rs765802331, gnomAD 0.002%). This premature translational stop signal has been observed in individual(s) with CYP11B2-related conditions (PMID: 23062999). ClinVar contains an entry for this variant (Variation ID: 1073636). For these reasons, this variant has been classified as Pathogenic.

Natera, Inc.
Classification: Likely pathogenic for Corticosterone methyl oxidase type II deficiency. Last evaluated: 2025-07-01. Review status: criteria provided, single submitter. Criteria: Natera Variant Classification Schema (03/2026). Collection method: clinical testing. Allele origin: germline.
Comment: The c.421C>T variant in CYP11B2 is a nonsense variant predicted to introduce a stop codon at amino acid 141. This variant is expected to result in nonsense mediated decay, truncation, or a dysfunctional protein product. This variant is rare in the general population with a frequency below the threshold expected for the associated phenotype(s). Given the available evidence, this variant is classified as Likely Pathogenic.

GeneDx
Classification: Pathogenic. Last evaluated: 2022-03-18. Review status: criteria provided, single submitter. Criteria: GeneDx Variant Classification Process June 2021. Collection method: clinical testing. Allele origin: germline. Affected: yes.
Comment: Nonsense variant predicted to result in protein truncation or nonsense mediated decay in a gene for which loss-of-function is a known mechanism of disease; Not observed at a significant frequency in large population cohorts (gnomAD); This variant is associated with the following publications: (PMID: 23062999, 33785438)

Literature cited by the submitters: PubMed 20494601 (cited by Labcorp Genetics (formerly Invitae), Labcorp); PubMed 22801770 (cited by Labcorp Genetics (formerly Invitae), Labcorp); PubMed 26936515 (cited by Labcorp Genetics (formerly Invitae), Labcorp); PubMed 23062999 (cited by Labcorp Genetics (formerly Invitae), Labcorp).